The following is an entry in ClinVar:

NM_000256.3(MYBPC3):c.2890G>A (p.Val964Met)

Gene: MYBPC3 (myosin binding protein C3; minus strand). Cytogenetic location: 11p11.2.
Variant type: single nucleotide variant.
Coding change: c.2890G>A on transcript NM_000256.3 (MANE Select); coding-DNA position 2890, G replaced by A.
Protein change: p.Val964Met; replaces valine 964 with methionine.
Molecular consequence: missense variant.
Genome position (GRCh38, 1-based): chr11:47,335,057, C>T on the plus strand (G>A on the coding strand, the complement: MYBPC3 is on the minus strand). VCF-style: chr11-47335057-C-T. GRCh37 (hg19) VCF-style: chr11-47356608-C-T.
Other names: short protein forms V964M.
Identifiers: ClinVar variation 3387103 (VCV003387103.1).
Genomic context (GRCh38, chr11:47,335,057, plus strand): 5'-GGGGTGTCAATGGCGGGTCTTGTGACTGCACAAAGGGGCACTCACGCAGGATCTCCTGCA[C>T]TGTCACCGGCTCCGTGGTGGTAACAGGGGCTCCAGGCCCTGCCATATTGTGTGCCCGCAC-3'
Protein context (NP_000247.2, residues 954-974): APVTTTEPVT[Val964Met]QEILQRPRLQ

ClinVar aggregate classification (germline): Uncertain significance (1 of 4 stars; one submission).

Conditions:
Hypertrophic cardiomyopathy. Also called: HYPERTROPHIC MYOCARDIOPATHY. Identifiers: Orphanet 217569, MedGen C0007194, MeSH D002312, MONDO:0005045, HP:0001639.

gnomAD v4.1: 1 of 1,567,746 alleles (0.000064%); no homozygotes.

Submission:

All of Us Research Program, National Institutes of Health
Classification: Uncertain significance for Hypertrophic cardiomyopathy. Last evaluated: 2024-08-06. Review status: criteria provided, single submitter. Criteria: ACMG Guidelines, 2015. Collection method: clinical testing. Allele origin: germline. Inheritance: Autosomal dominant inheritance. Observed: 1 variant allele, 1 heterozygote.
Comment: This study involves interpretation of variants in research participants for the purpose of population health screening. Participant phenotype was not available at the time of variant classification. Additional details can be found in publication PMID: 35346344, PMCID: PMC8962531